The following is an entry in ClinVar:

ClinVar aggregate classification (germline): Uncertain significance (1 of 4 stars; one submission).

Conditions:
Immunodeficiency 35 (IMD35). Also called: Susceptibility to infection due to TYK2 deficiency; HIES WITH ATYPICAL MYCOBACTERIOSIS, AUTOSOMAL RECESSIVE; HYPER-IgE SYNDROME WITH ATYPICAL MYCOBACTERIOSIS, AUTOSOMAL RECESSIVE; TYK2 DEFICIENCY. Identifiers: Orphanet 331226, MedGen C1969086, MONDO:0012682, OMIM 611521.

gnomAD v4.1: 1 of 1,614,080 alleles (0.000062%); highest among the groups gnomAD compares: Non-Finnish European, 0.000085%; no homozygotes.

Submission:

Laboratorio de Genetica e Diagnostico Molecular, Hospital Israelita Albert Einstein
Classification: Uncertain significance for Immunodeficiency 35. Last evaluated: 2021-03-30. Review status: criteria provided, single submitter. Criteria: ACMG Guidelines, 2015. Collection method: clinical testing. Allele origin: germline. Affected: yes.
Comment: ACMG classification criteria: PM2

NM_003331.5(TYK2):c.2657C>A (p.Ala886Glu)

Gene: TYK2 (tyrosine kinase 2; minus strand). Cytogenetic location: 19p13.2.
Variant type: single nucleotide variant.
Coding change: c.2657C>A on transcript NM_003331.5 (MANE Select); coding-DNA position 2657, C replaced by A.
Protein change: p.Ala886Glu; replaces alanine 886 with glutamic acid.
Molecular consequence: missense variant.
Genome position (GRCh38, 1-based): chr19:10,354,570, G>T on the plus strand (C>A on the coding strand, the complement: TYK2 is on the minus strand). VCF-style: chr19-10354570-G-T. GRCh37 (hg19) VCF-style: chr19-10465246-G-T.
Other names: c.2657C>A, p.Ala886Glu (NM_001385197.1, NM_001385198.1); c.2471C>A, p.Ala824Glu (NM_001385199.1); c.2654C>A, p.Ala885Glu (NM_001385200.1); c.2459C>A, p.Ala820Glu (NM_001385201.1); c.2573C>A, p.Ala858Glu (NM_001385202.1); c.2738C>A, p.Ala913Glu (NM_001385203.1); c.2867C>A, p.Ala956Glu (NM_001385204.1); c.2567C>A, p.Ala856Glu (NM_001385205.1); and 2 more; short protein forms A820E, A824E, A844E, A856E, A858E, A880E, A885E, A886E.
Identifiers: ClinVar variation 1683606 (VCV001683606.2), dbSNP rs764682808, ClinGen allele CA403990045.